The following is an entry in ClinVar:

NM_017514.5(PLXNA3):c.2545G>A (p.Val849Met)

Gene: PLXNA3 (plexin A3; plus strand). Cytogenetic location: Xq28.
Variant type: single nucleotide variant.
Coding change: c.2545G>A on transcript NM_017514.5 (MANE Select); coding-DNA position 2545, G replaced by A.
Protein change: p.Val849Met; replaces valine 849 with methionine.
Molecular consequence: missense variant.
Genome position (GRCh38, 1-based): chrX:154,465,947, G>A. VCF-style: chrX-154465947-G-A. GRCh37 (hg19) VCF-style: chrX-153694290-G-A.
Other names: short protein forms V849M.
Identifiers: ClinVar variation 3421151 (VCV003421151.2).

ClinVar aggregate classification (germline): Conflicting classifications of pathogenicity. Review status: criteria provided, conflicting classifications (1 of 4 stars). 2 submissions from 2 submitters: Uncertain significance (1); Likely benign (1). Last evaluated 2025-12-19.

Conditions:
PLXNA3-related disorder. Also called: PLXNA3-related condition.

gnomAD v4.1: 13 of 1,210,240 alleles (0.0011%); highest among the groups gnomAD compares: Admixed American, 0.0044%; no homozygotes.

Submissions (2):

PreventionGenetics, part of Exact Sciences
Classification: Uncertain significance for PLXNA3-related condition. Last evaluated: 2025-12-19. Review status: criteria provided, single submitter. Criteria: ACMG Guidelines, 2015. Collection method: clinical testing. Allele origin: germline.
Comment: The PLXNA3 c.2545G>A variant is predicted to result in the amino acid substitution p.Val849Met. To our knowledge, this variant has not been reported in the literature. This variant is reported in 0.0076% of alleles in individuals of African descent in gnomAD, including 1 hemizygous individual. Although we suspect that this variant may be benign, at this time, the clinical significance of this variant is uncertain due to the absence of conclusive functional and genetic evidence.

Ambry Genetics
Classification: Likely benign. Last evaluated: 2024-11-11. Review status: criteria provided, single submitter. Criteria: Ambry Variant Classification Scheme 2023. Collection method: clinical testing. Allele origin: germline.